The following is an entry in ClinVar:

NM_001868.4(CPA1):c.1228_1251dup (p.His417_Pro418insIleMetGluHisThrLeuAsnHis)

Gene: CPA1 (carboxypeptidase A1; plus strand). Cytogenetic location: 7q32.2.
Variant type: Duplication.
Coding change: c.1228_1251dup on transcript NM_001868.4 (MANE Select); coding-DNA positions 1228 to 1251, 24 bases duplicated (ATCATGGAGCACACCCTGAATCAC).
Protein change: p.His417_Pro418insIleMetGluHisThrLeuAsnHis.
Molecular consequence: inframe insertion.
Genome position (GRCh38, 1-based): chr7:130,387,979-130,388,002, ATCATGGAGCACACCCTGAATCAC duplicated; duplicating any 24 consecutive bases within chr7:130,387,978-130,388,002 gives the same sequence; the c. name uses the placement nearest the transcript's 3' end. VCF-style (leftmost placement, unchanged base first): chr7-130387977-C-CCATCATGGAGCACACCCTGAATCA. GRCh37 (hg19) VCF-style: chr7-130027818-C-CCATCATGGAGCACACCCTGAATCA.
Identifiers: ClinVar variation 1754723 (VCV001754723.8), dbSNP rs782329019, ClinGen allele CA4485086.

ClinVar aggregate classification (germline): Uncertain significance. Review status: criteria provided, multiple submitters, no conflicts (2 of 4 stars). 2 submissions from 2 submitters: Uncertain significance (2). Last evaluated 2026-01-04.

Conditions:
Hereditary pancreatitis (PCTT). Also called: Hereditary chronic pancreatitis; PRSS1-Related Hereditary Pancreatitis. Identifiers: Orphanet 676, MedGen C0238339, MONDO:0008185, OMIM 167800.

Submissions (2):

Labcorp Genetics (formerly Invitae), Labcorp
Classification: Uncertain significance. Last evaluated: 2026-01-04. Review status: criteria provided, single submitter. Criteria: Invitae Variant Classification Sherloc (09022015). Collection method: clinical testing. Allele origin: germline.
Comment: This variant, c.1228_1251dup, results in the insertion of 8 amino acid(s) of the CPA1 protein (p.Ile410_His417dup), but otherwise preserves the integrity of the reading frame. This variant is present in population databases (rs782329019, gnomAD 0.007%). This variant has not been reported in the literature in individuals affected with CPA1-related conditions. ClinVar contains an entry for this variant (Variation ID: 1754723). In summary, the available evidence is currently insufficient to determine the role of this variant in disease. Therefore, it has been classified as a Variant of Uncertain Significance.

Ambry Genetics
Classification: Uncertain significance for Hereditary pancreatitis. Last evaluated: 2024-09-20. Review status: criteria provided, single submitter. Criteria: Ambry Variant Classification Scheme 2023. Collection method: clinical testing. Allele origin: germline.
Comment: The c.1228_1251dup24 variant (also known as p.I410_H417dup), located in coding exon 10 of the CPA1 gene, results from an in-frame duplication of 24 nucleotides at nucleotide positions 1228 to 1251. This results in the duplication of 8 extra residues (IMEHTLNH) between codons 410 and 417. This amino acid region is not well conserved in available vertebrate species. In addition, this alteration is predicted to be deleterious by in silico analysis (Choi Y et al. PLoS ONE. 2012; 7(10):e46688). Since supporting evidence is limited at this time, the clinical significance of this alteration remains unclear.